The following is an entry in ClinVar:

ClinVar aggregate classification (germline): Uncertain significance (1 of 4 stars; one submission).

Conditions:
Cardiovascular phenotype. Identifiers: MedGen CN230736.

Submission:

Ambry Genetics
Classification: Uncertain significance for Cardiovascular phenotype. Last evaluated: 2022-10-19. Review status: criteria provided, single submitter. Criteria: Ambry Variant Classification Scheme 2023. Collection method: clinical testing. Allele origin: germline.
Comment: The p.G3727C variant (also known as c.11179G>T), located in coding exon 16 of the ALMS1 gene, results from a G to T substitution at nucleotide position 11179. The glycine at codon 3727 is replaced by cysteine, an amino acid with highly dissimilar properties. This amino acid position is not well conserved in available vertebrate species. In addition, this alteration is predicted to be tolerated by in silico analysis. Since supporting evidence is limited at this time, the clinical significance of this alteration remains unclear.

NM_001378454.1(ALMS1):c.11176G>T (p.Gly3726Cys)

Gene: ALMS1 (ALMS1 centrosome and basal body associated protein; plus strand). Cytogenetic location: 2p13.1.
Variant type: single nucleotide variant.
Coding change: c.11176G>T on transcript NM_001378454.1 (MANE Select); coding-DNA position 11176, G replaced by T.
Protein change: p.Gly3726Cys; replaces glycine 3726 with cysteine.
Molecular consequence: missense variant.
Genome position (GRCh38, 1-based): chr2:73,573,053, G>T. VCF-style: chr2-73573053-G-T. GRCh37 (hg19) VCF-style: chr2-73800180-G-T.
Other names: c.11179G>T, p.Gly3727Cys (NM_015120.4); short protein forms G3726C, G3727C.
Identifiers: ClinVar variation 1796466 (VCV001796466.2), dbSNP rs2466446334, ClinGen allele CA347287865.
Genomic context (GRCh38, chr2:73,573,053, plus strand): 5'-TCTAATCAAATTAAAATTGAACAGATTAAATTTGATAAATATATTCTGAGTAAACAGCCA[G>T]GTTTTAATTATATAAGCAACACTTCTTCGGATTGTCGGCCCTCAGAGGAGAGTGAGCTGC-3'
Protein context (NP_001365383.1, residues 3716-3736): FDKYILSKQP[Gly3726Cys]FNYISNTSSD